The following is an entry in ClinVar:

ClinVar aggregate classification (germline): Likely pathogenic (0 of 4 stars; one submission).

Conditions:
Hearing loss, autosomal recessive. Also called: Deafness, autosomal recessive; Nonsyndromic Hearing Loss, Recessive; Autosomal recessive nonsyndromic deafness; Rare autosomal recessive non-syndromic sensorineural deafness type DFNB. Identifiers: Orphanet 90635, Orphanet 90636, MedGen C1846647, MONDO:0019588, OMIM 607197.

Allele frequency attached by ClinVar (database versions not stated): 1000 Genomes Project 0.00040; gnomAD 0.00072 and 0.00076; ESP Exome Variant Server 0.00088; 1000 Genomes Project 30x 0.00031; ExAC 0.00164; gnomAD exomes 0.00118.
gnomAD v4.1: 946 of 1,591,500 alleles (0.059%); highest among the groups gnomAD compares: Middle Eastern, 0.2%; no homozygotes.

Submissions (3):

Laboratory of Prof. Karen Avraham, Tel Aviv University
Classification: Likely pathogenic for Hearing loss, autosomal recessive. Last evaluated: 2019-07-06. Review status: no assertion criteria provided. Collection method: research. Allele origin: germline. Affected: yes. Observed: 2 variant alleles.
Comment: Recessive, compound heterozygous with NM_001354587.1: 2589T>G; congenital, moderate-severe progressive SNHL

Dr. Peter K. Rogan Lab, Western University
No classification provided (evidence only). Condition: Malignant tumor of esophagus. Review status: no classification provided. Collection method: in vitro. Allele origin: not applicable. Functional consequence: skipped exon, retained intron. Not counted in ClinVar's aggregate classification.

Dr. Peter K. Rogan Lab, Western University
No classification provided (evidence only). Condition: Malignant tumor of esophagus. Review status: no classification provided. Collection method: in vitro. Allele origin: not applicable. Functional consequence: skipped exon, retained intron. Not counted in ClinVar's aggregate classification.

Literature cited by the submitters: DOI 10.1111/cge.13817 (cited by Laboratory of Prof. Karen Avraham, Tel Aviv University).

NM_001354587.1(ANKRD36):c.2479-1G>A

Gene: ANKRD36 (ankyrin repeat domain 36; plus strand). Cytogenetic location: 2q11.2.
Variant type: single nucleotide variant.
Coding change: c.2479-1G>A on transcript NM_001354587.1 (MANE Select); the canonical splice acceptor site of the intron before coding-DNA position 2479, G replaced by A.
Molecular consequence: splice acceptor variant.
Genome position (GRCh38, 1-based): chr2:97,194,844, G>A. VCF-style: chr2-97194844-G-A. GRCh37 (hg19) VCF-style: chr2-97860581-G-A.
Other names: NC_000002.11:g.97860581G>A.
Identifiers: ClinVar variation 917512 (VCV000917512.2), dbSNP rs200852589, ClinGen allele CA1787597.
Genomic context (GRCh38, chr2:97,194,844, plus strand): 5'-TAGTAAACGTATAGCCTATGAAACATACCTTATTTATTATTTTGTTTCAAATTCCACTCA[G>A]GCTACAAGTGATGAGAAGGATTCTTTTTCGAATATAACCAGAGGAAAAAAGGATGGAGAA-3'